The following is an entry in ClinVar:

NM_000414.4(HSD17B4):c.1001del (p.Pro334fs)

Gene: HSD17B4 (hydroxysteroid 17-beta dehydrogenase 4; plus strand). Cytogenetic location: 5q23.1.
Variant type: Deletion.
Coding change: c.1001del on transcript NM_000414.4 (MANE Select); coding-DNA position 1001, one base deleted (C; older notation c.1001delC).
Protein change: p.Pro334fs; shifts the reading frame from proline 334.
Molecular consequence: frameshift variant. On other transcripts: non-coding transcript variant (2).
Genome position (GRCh38, 1-based): chr5:119,499,345, C deleted; the last of 2 consecutive C bases (chr5:119,499,344-119,499,345); deleting either gives the same sequence. VCF-style (leftmost placement, unchanged base first): chr5-119499343-TC-T. GRCh37 (hg19) VCF-style: chr5-118835038-TC-T.
Other names: c.1076del, p.Pro359fs (NM_001199291.3); c.947del, p.Pro316fs (NM_001199292.2); c.929del, p.Pro310fs (NM_001292027.2); c.581del, p.Pro194fs (NM_001292028.2); c.992del, p.Pro331fs (NM_001374497.1); c.1001del, p.Pro334fs (NM_001374498.1); c.674del, p.Pro225fs (NM_001374499.1); c.560del, p.Pro187fs (NM_001374500.1); and 1 more; short protein forms P187fs, P194fs, P197fs, P225fs, P310fs, P316fs, P331fs, P334fs.
Identifiers: ClinVar variation 1726022 (VCV001726022.3), dbSNP rs2531741818, ClinGen allele CA2580072430.

ClinVar aggregate classification (germline): Likely pathogenic (1 of 4 stars; one submission).

Conditions:
Bifunctional peroxisomal enzyme deficiency (DBIF). Also called: DBP DEFICIENCY; PBFE DEFICIENCY; D-bifunctional protein deficiency. Identifiers: Orphanet 300, MedGen C0342870, MONDO:0009855, OMIM 261515. Disease mechanism: loss of function.

Submission:

Myriad Genetics, Inc.
Classification: Likely pathogenic for Bifunctional peroxisomal enzyme deficiency. Last evaluated: 2022-05-04. Review status: criteria provided, single submitter. Criteria: Myriad Autosomal Dominant, Autosomal Recessive and X-Linked Classification Criteria (2023). Collection method: clinical testing. Allele origin: unknown.
Comment: NM_000414.3(HSD17B4):c.1001delC(P334Hfs*28) is expected to be pathogenic in the context of HSD17B4-related disorders. This variant is predicted to lead to an abnormal or absent protein product due to the creation of a premature termination codon in HSD17B4, a gene where loss-of-function variants are known to be pathogenic. Please note: this variant was assessed in the context of healthy population screening.